The following is an entry in ClinVar:

NM_006734.4(HIVEP2):c.1196G>A (p.Gly399Asp)

Gene: HIVEP2 (HIVEP zinc finger 2; minus strand). Cytogenetic location: 6q24.2.
Variant type: single nucleotide variant.
Coding change: c.1196G>A on transcript NM_006734.4 (MANE Select); coding-DNA position 1196, G replaced by A.
Protein change: p.Gly399Asp; replaces glycine 399 with aspartic acid.
Molecular consequence: missense variant.
Genome position (GRCh38, 1-based): chr6:142,773,543, C>T on the plus strand (G>A on the coding strand, the complement: HIVEP2 is on the minus strand). VCF-style: chr6-142773543-C-T. GRCh37 (hg19) VCF-style: chr6-143094680-C-T.
Other names: c.1196G>A, p.Gly399Asp (NM_001438449.1, NM_001438450.1, NM_001438451.1); short protein forms G399D.
Identifiers: ClinVar variation 4536330 (VCV004536330.1).

ClinVar aggregate classification (germline): Uncertain significance (1 of 4 stars; one submission).

gnomAD v4.1: 1 of 1,614,214 alleles (0.000062%); no homozygotes.

Submission:

GeneDx
Classification: Uncertain significance. Last evaluated: 2025-06-04. Review status: criteria provided, single submitter. Criteria: GeneDx Variant Classification Process June 2021. Collection method: clinical testing. Allele origin: germline. Affected: yes.
Comment: Not observed at significant frequency in large population cohorts (gnomAD); In silico analysis supports that this missense variant has a deleterious effect on protein structure/function; Has not been previously published as pathogenic or benign to our knowledge